The following continues an entry in ClinVar:

NM_007294.4(BRCA1):c.2866_2870del (p.Ser956fs)

Gene: BRCA1. ClinVar aggregate classification (germline): Pathogenic. Pathogenic (1).

Submissions 8 to 14 of 14:

Victorian Clinical Genetics Services, Murdoch Childrens Research Institute
Classification: Pathogenic for Fanconi anemia, complementation group S. Last evaluated: 2020-10-19. Review status: criteria provided, single submitter. Criteria: ACMG Guidelines, 2015. Collection method: clinical testing. Allele origin: germline. Not counted in ClinVar's aggregate classification.
Comment: Based on the classification scheme VCGS_Germline_v1.3.3, this variant is classified as 5-Pathogenic. Following criteria are met: 0102 - Loss of function is a known mechanism of disease in this gene and is associated with risk of cancer (OMIM). (I) 0106 - This gene is associated with autosomal recessive disease. This gene is associated with autosomal recessive Fanconi Anemia, however, it is also associated with an increased risk for breast, ovarian, prostate, pancreatic or stomach cancer (OMIM, PMID: 26236408). (I) 0201 - Variant is predicted to cause nonsense-mediated decay (NMD) and loss of protein (premature termination codon is located at least 54 nucleotides upstream of the final exon-exon junction). (SP) 0219 - This variant is non-coding in an alternative transcript. This variant is non-coding in the BRCA1 NM_007298.3 and NM_007299.4 alternate transcripts (UCSC Genome Browser)]. (I) 0251 - This variant is heterozygous. (I) 0301 - Variant is absent from gnomAD (both v2 and v3). (SP) 0701 - Other loss of function variants comparable to the one identified in this case have very strong previous evidence for pathogenicity. Multiple loss of function variants are present along the BRCA1 gene (Decipher). (SP) 0801 - This variant has strong previous evidence of pathogenicity in unrelated individuals. This variant has been classified as pathogenic by an expert review panel (ClinVar). (SP) 1208 - Inheritance information for this variant is not currently available in this individual. (I) Legend: (SP) - Supporting pathogenic, (I) - Information, (SB) - Supporting benign

Mayo Clinic Laboratories, Mayo Clinic
Classification: Pathogenic. Last evaluated: 2020-07-17. Review status: criteria provided, single submitter. Criteria: ACMG Guidelines, 2015. Collection method: clinical testing. Allele origin: germline. Observed: 1 variant allele. Not counted in ClinVar's aggregate classification.
Comment: PVS1, PM2, PP5

Women's Health and Genetics/Laboratory Corporation of America, LabCorp
Classification: Pathogenic for Hereditary breast and ovarian cancer syndrome. Last evaluated: 2019-10-25. Review status: criteria provided, single submitter. Criteria: LabCorp Variant Classification Summary - May 2015. Collection method: clinical testing. Allele origin: germline. Not counted in ClinVar's aggregate classification.
Comment: Variant summary: BRCA1 c.2866_2870delTCTCA (p.Ser956ValfsX13) results in a premature termination codon, predicted to cause a truncation of the encoded protein or absence of the protein due to nonsense mediated decay, which are commonly known mechanisms for disease. Truncations downstream of this position have been classified as pathogenic by our laboratory. The variant was absent in 251368 control chromosomes (gnomAD). c.2866_2870delTCTCA has been reported in the literature in multiple individuals affected with breast and/or ovarian cancer (Shattuck-Eidens_1995, Shi_2017, Bhaskaran_2019). These data indicate that the variant is very likely to be associated with disease. To our knowledge, no experimental evidence demonstrating an impact on protein function has been reported. Eight ClinVar submitters including one expert panel (ENIGMA) (evaluation after 2014) cite the variant as pathogenic. Based on the evidence outlined above, the variant was classified as pathogenic.

GeneKor MSA
Classification: Pathogenic for Familial cancer of breast. Last evaluated: 2016-07-01. Review status: criteria provided, single submitter. Criteria: ACMG Guidelines, 2015. Collection method: clinical testing. Allele origin: germline. Affected: yes. Not counted in ClinVar's aggregate classification.

Quest Diagnostics Nichols Institute San Juan Capistrano
Classification: Pathogenic for Breast-ovarian cancer, familial, susceptibility to, 1. Last evaluated: 2016-04-22. Review status: criteria provided, single submitter. Criteria: Quest Diagnostics criteria. Collection method: clinical testing. Allele origin: germline. Inheritance: Autosomal dominant inheritance. Not counted in ClinVar's aggregate classification.

Consortium of Investigators of Modifiers of BRCA1/2 (CIMBA), c/o University of Cambridge
Classification: Pathogenic for Breast-ovarian cancer, familial, susceptibility to, 1. Last evaluated: 2015-10-02. Review status: criteria provided, single submitter. Criteria: CIMBA Mutation Classification guidelines May 2016. Collection method: clinical testing. Allele origin: germline. Not counted in ClinVar's aggregate classification.

Breast Cancer Information Core (BIC) (BRCA1)
Classification: Pathogenic for Breast-ovarian cancer, familial 1. Last evaluated: 2014-01-07. Review status: no assertion criteria provided. Collection method: clinical testing. Allele origin: germline. Affected: yes. Observed: 3 variant alleles. Not counted in ClinVar's aggregate classification.

Literature cited by the submitters: PubMed 20104584 (cited by Labcorp Genetics (formerly Invitae), Labcorp); PubMed 7837387 (cited by 5 submitters); PubMed 15146557 (cited by 3 submitters); PubMed 28176296 (cited by 4 submitters); PubMed 28724667 (cited by 3 submitters); PubMed 29446198 (cited by 3 submitters); PubMed 33471991 (cited by Color Diagnostics, LLC DBA Color Health); PubMed 26236408 (cited by Victorian Clinical Genetics Services, Murdoch Childrens Research Institute); PubMed 1514655 (cited by Mayo Clinic Laboratories, Mayo Clinic); PubMed 30702160 (cited by Mayo Clinic Laboratories, Mayo Clinic and Women's Health and Genetics/Laboratory Corporation of America, LabCorp); PubMed 26843898 (cited by Quest Diagnostics Nichols Institute San Juan Capistrano); PubMed 26295337 (cited by Quest Diagnostics Nichols Institute San Juan Capistrano).